The following is an entry in ClinVar:

NM_017654.4(SAMD9):c.3353A>T (p.Tyr1118Phe)

Gene: SAMD9 (sterile alpha motif domain containing 9; minus strand). Cytogenetic location: 7q21.2.
Variant type: single nucleotide variant.
Coding change: c.3353A>T on transcript NM_017654.4 (MANE Select); coding-DNA position 3353, A replaced by T.
Protein change: p.Tyr1118Phe; replaces tyrosine 1118 with phenylalanine.
Molecular consequence: missense variant.
Genome position (GRCh38, 1-based): chr7:93,102,745, T>A on the plus strand (A>T on the coding strand, the complement: SAMD9 is on the minus strand). VCF-style: chr7-93102745-T-A. GRCh37 (hg19) VCF-style: chr7-92732058-T-A.
Other names: c.3353A>T, p.Tyr1118Phe (NM_001193307.2); short protein forms Y1118F.
Identifiers: ClinVar variation 5028790 (VCV005028790.1).
Genomic context (GRCh38, chr7:93,102,745, plus strand): 5'-TTTTCCTCTATCCACCATCTTATTTTACTTTTGTAGACTTGACCCAGTGTATCTGAGATA[T>A]AAGAATTGTCAGGTTCTATGATTTTTGCTTGTTTTGCCCAGTTTAGAGCATTGCCAAAGT-3'
Protein context (NP_060124.2, residues 1108-1128): QAKIIEPDNS[Tyr1118Phe]ISDTLGQVYK

ClinVar aggregate classification (germline): Uncertain significance (1 of 4 stars; one submission).

Conditions:
Inborn genetic diseases. Identifiers: MedGen C0950123, MeSH D030342.

Submission:

Ambry Genetics
Classification: Uncertain significance for Inborn genetic diseases. Last evaluated: 2026-08-16. Review status: criteria provided, single submitter. Criteria: Ambry Variant Classification Scheme 2023. Collection method: clinical testing. Allele origin: germline.
Comment: The p.Y1118F variant (also known as c.3353A>T), located in coding exon 1 of the SAMD9 gene, results from an A to T substitution at nucleotide position 3353. The tyrosine at codon 1118 is replaced by phenylalanine, an amino acid with highly similar properties. This amino acid position is conserved. In addition, this alteration is predicted to be tolerated by in silico analysis. Based on the available evidence, the clinical significance of this variant remains unclear.